The following is an entry in ClinVar:

NM_001291415.2(KDM6A):c.1581+6T>C

Gene: KDM6A (lysine demethylase 6A; plus strand). Cytogenetic location: Xp11.3.
Variant type: single nucleotide variant.
Coding change: c.1581+6T>C on transcript NM_001291415.2 (MANE Select); 6 bases into the intron after coding-DNA position 1581, T replaced by C.
Molecular consequence: intron variant.
Genome position (GRCh38, 1-based): chrX:45,061,425, T>C. VCF-style: chrX-45061425-T-C. GRCh37 (hg19) VCF-style: chrX-44920670-T-C.
Other names: c.1425+6T>C (NM_021140.4); c.1446+6T>C (NM_001291416.2); c.1290+6T>C (NM_001291417.2, NM_001291418.2); c.537+6T>C (NM_001291421.2).
Identifiers: ClinVar variation 1503250 (VCV001503250.6), dbSNP rs765678568, ClinGen allele CA329044878.
Genomic context (GRCh38, chrX:45,061,425, plus strand): 5'-TCCTCCAGTACAGCAACAAGCTCATTCATGGTGTTTGACACCACAGAAATTACAGGTATG[T>C]AAGATGTTTTTGACAAATTGTTTATTAAAAAGGAGTAGAGGTAGCAAACAAGTATTAATT-3'

ClinVar aggregate classification (germline): Uncertain significance (1 of 4 stars; one submission).

Conditions:
Kabuki syndrome 2 (KABUK2). Also called: KDM6A-Related Kabuki Syndrome. Identifiers: Orphanet 2322, MedGen C3275495, MONDO:0010465, OMIM 300867.

Allele frequency attached by ClinVar (database versions not stated): gnomAD exomes 0.00001; gnomAD 0.00002 and 0.00003; TOPMed 0.00004.
gnomAD v4.1: 15 of 1,020,127 alleles (0.0015%); highest among the groups gnomAD compares: Non-Finnish European, 0.0021%; no homozygotes.

Submission:

Labcorp Genetics (formerly Invitae), Labcorp
Classification: Uncertain significance for Kabuki syndrome 2. Last evaluated: 2024-12-08. Review status: criteria provided, single submitter. Criteria: Invitae Variant Classification Sherloc (09022015). Collection method: clinical testing. Allele origin: germline.
Comment: This sequence change falls in intron 14 of the KDM6A gene. It does not directly change the encoded amino acid sequence of the KDM6A protein. It affects a nucleotide within the consensus splice site. This variant is present in population databases (rs765678568, gnomAD 0.004%), including at least one homozygous and/or hemizygous individual. This variant has not been reported in the literature in individuals affected with KDM6A-related conditions. ClinVar contains an entry for this variant (Variation ID: 1503250). Variants that disrupt the consensus splice site are a relatively common cause of aberrant splicing (PMID: 17576681, 9536098). Algorithms developed to predict the effect of sequence changes on RNA splicing suggest that this variant is not likely to affect RNA splicing. In summary, the available evidence is currently insufficient to determine the role of this variant in disease. Therefore, it has been classified as a Variant of Uncertain Significance.

Literature cited by the submitters: PubMed 17576681; PubMed 9536098.